The following is an entry in ClinVar:

NM_001005242.3(PKP2):c.1091A>T (p.His364Leu)

Gene: PKP2 (plakophilin 2; minus strand). Cytogenetic location: 12p11.21.
Variant type: single nucleotide variant.
Coding change: c.1091A>T on transcript NM_001005242.3 (MANE Select); coding-DNA position 1091, A replaced by T.
Protein change: p.His364Leu; replaces histidine 364 with leucine.
Molecular consequence: missense variant.
Genome position (GRCh38, 1-based): chr12:32,869,006, T>A on the plus strand (A>T on the coding strand, the complement: PKP2 is on the minus strand). VCF-style: chr12-32869006-T-A. GRCh37 (hg19) VCF-style: chr12-33021940-T-A.
Other names: c.1091A>T, p.His364Leu (NM_004572.4); short protein forms H364L.
Identifiers: ClinVar variation 969849 (VCV000969849.1), dbSNP rs763114466, ClinGen allele CA027023.

ClinVar aggregate classification (germline): Uncertain significance (1 of 4 stars; one submission).

Conditions:
Arrhythmogenic right ventricular dysplasia 9 (ARVD9). Also called: Arrhythmogenic Right Ventricular Dysplasia/Cardiomyopathy 9; ARRHYTHMOGENIC RIGHT VENTRICULAR DYSPLASIA, FAMILIAL, 9. Identifiers: MedGen C1836906, MONDO:0012180, OMIM 609040.

Allele frequency attached by ClinVar (database versions not stated): ExAC 0.00001; gnomAD 0.00001; gnomAD exomes 0.00001.
gnomAD v4.1: 4 of 1,613,610 alleles (0.00025%); no homozygotes.

Submission:

Labcorp Genetics (formerly Invitae), Labcorp
Classification: Uncertain significance for Arrhythmogenic right ventricular cardiomyopathy, type 9. Last evaluated: 2019-10-25. Review status: criteria provided, single submitter. Criteria: Invitae Variant Classification Sherloc (09022015). Collection method: clinical testing. Allele origin: germline.
Comment: This sequence change replaces histidine with leucine at codon 364 of the PKP2 protein (p.His364Leu). The histidine residue is moderately conserved and there is a moderate physicochemical difference between histidine and leucine. This variant is present in population databases (rs763114466, ExAC 0.02%). This variant has not been reported in the literature in individuals with PKP2-related conditions. Algorithms developed to predict the effect of missense changes on protein structure and function (SIFT, PolyPhen-2, Align-GVGD) all suggest that this variant is likely to be tolerated, but these predictions have not been confirmed by published functional studies and their clinical significance is uncertain. In summary, the available evidence is currently insufficient to determine the role of this variant in disease. Therefore, it has been classified as a Variant of Uncertain Significance.